The following is an entry in ClinVar:

NM_000064.4(C3):c.4789GAG[1] (p.Glu1598del)

Gene: C3 (complement C3; minus strand). Cytogenetic location: 19p13.3.
Variant type: Microsatellite.
Coding change: c.4789GAG[1] on transcript NM_000064.4 (MANE Select); one copy of the 3-base unit GAG starting at c.4789; the reference has two copies in a row; one copy, 3 bases deleted.
Protein change: p.Glu1598del; deletes glutamic acid 1598.
Molecular consequence: inframe deletion.
Genome position (GRCh38, 1-based): chr19:6,678,208-6,678,210, CTC deleted on the plus strand (GAG on the coding strand, the reverse complement: C3 is on the minus strand); deleting any 3 consecutive bases within chr19:6,678,208-6,678,214 gives the same sequence; the position shown is the placement nearest the transcript's 3' end. VCF-style (leftmost placement, unchanged base first): chr19-6678207-TCTC-T. GRCh37 (hg19) VCF-style: chr19-6678218-TCTC-T.
Other names: short protein forms E1598del.
Identifiers: ClinVar variation 1991259 (VCV001991259.4), dbSNP rs760312547, ClinGen allele CA9128256.

ClinVar aggregate classification (germline): Uncertain significance (1 of 4 stars; one submission).

Submission:

Labcorp Genetics (formerly Invitae), Labcorp
Classification: Uncertain significance. Last evaluated: 2025-04-07. Review status: criteria provided, single submitter. Criteria: Invitae Variant Classification Sherloc (09022015). Collection method: clinical testing. Allele origin: germline.
Comment: This variant, c.4792_4794del, results in the deletion of 1 amino acid(s) of the C3 protein (p.Glu1598del), but otherwise preserves the integrity of the reading frame. This variant is present in population databases (rs760312547, gnomAD 0.02%). This variant has not been reported in the literature in individuals affected with C3-related conditions. Experimental studies and prediction algorithms are not available or were not evaluated, and the functional significance of this variant is currently unknown. In summary, the available evidence is currently insufficient to determine the role of this variant in disease. Therefore, it has been classified as a Variant of Uncertain Significance.